The following is an entry in ClinVar:

ClinVar aggregate classification (germline): Likely benign. Review status: criteria provided, multiple submitters, no conflicts (2 of 4 stars). 3 submissions from 3 submitters: Likely benign (2). 1 of the submissions does not count toward it. Last evaluated 2026-02-01.

Conditions:
MACF1-related disorder. Also called: MACF1-related condition.

Allele frequency attached by ClinVar (database versions not stated): ExAC 0.00028; 1000 Genomes Project 30x 0.00047; 1000 Genomes Project 0.00060; gnomAD 0.00064; TOPMed 0.00068; ESP Exome Variant Server 0.00085.
gnomAD v4.1: 356 of 1,612,966 alleles (0.022%); highest among the groups gnomAD compares: African/African-American, 0.21%; 1 homozygote.

Submissions (3):

CeGaT Center for Human Genetics Tuebingen
Classification: Likely benign. Last evaluated: 2026-02-01. Review status: criteria provided, single submitter. Criteria: CeGaT Center For Human Genetics Tuebingen Variant Classification Criteria Version 2. Collection method: clinical testing. Allele origin: germline. Affected: yes. Observed: 1 variant allele.
Comment: MACF1: BP4, BS2

Labcorp Genetics (formerly Invitae), Labcorp
Classification: Likely benign. Last evaluated: 2025-11-28. Review status: criteria provided, single submitter. Criteria: Invitae Variant Classification Sherloc (09022015). Collection method: clinical testing. Allele origin: germline.

PreventionGenetics, part of Exact Sciences
Classification: Likely benign for MACF1-related condition. Last evaluated: 2019-08-21. Review status: no assertion criteria provided. Collection method: clinical testing. Allele origin: germline. Not counted in ClinVar's aggregate classification.
Comment: This variant is classified as likely benign based on ACMG/AMP sequence variant interpretation guidelines (Richards et al. 2015 PMID: 25741868, with internal and published modifications).

NM_001394062.1(MACF1):c.13351C>T (p.Arg4451Cys)

Gene: MACF1 (microtubule actin crosslinking factor 1; plus strand). Cytogenetic location: 1p34.3.
Variant type: single nucleotide variant.
Coding change: c.13351C>T on transcript NM_001394062.1 (MANE Select); coding-DNA position 13351, C replaced by T.
Protein change: p.Arg4451Cys; replaces arginine 4451 with cysteine.
Molecular consequence: missense variant.
Genome position (GRCh38, 1-based): chr1:39,379,277, C>T. VCF-style: chr1-39379277-C-T. GRCh37 (hg19) VCF-style: chr1-39844949-C-T.
Other names: c.7165C>T, p.Arg2389Cys (NM_012090.5); short protein forms R2389C, R4451C.
Identifiers: ClinVar variation 2083040 (VCV002083040.10), dbSNP rs79990239, ClinGen allele CA782047.